The following is an entry in ClinVar:

ClinVar aggregate classification (germline): Uncertain significance. Review status: criteria provided, multiple submitters, no conflicts (2 of 4 stars). 6 submissions from 6 submitters: Uncertain significance (6). Last evaluated 2025-10-18.

Conditions:
Aortic aneurysm, familial thoracic 7 (AAT7). Also called: AORTIC DISSECTION, FAMILIAL, WITH OR WITHOUT AORTIC ANEURYSM. Identifiers: MedGen C3151077, MONDO:0013418, OMIM 613780.
Familial thoracic aortic aneurysm and aortic dissection (TAAD). Also called: Thoracic aortic aneurysms and dissections. Identifiers: Orphanet 91387, MedGen C4707243, MONDO:0019625.

Allele frequency attached by ClinVar (database versions not stated): gnomAD exomes 0.00001 and 0.00002; gnomAD 0.00003; TOPMed 0.00003; ESP Exome Variant Server 0.00008.
gnomAD v4.1: 31 of 1,612,026 alleles (0.0019%); highest among the groups gnomAD compares: African/African-American, 0.0027%; no homozygotes.

Submissions (6):

Labcorp Genetics (formerly Invitae), Labcorp
Classification: Uncertain significance for Aortic aneurysm, familial thoracic 7. Last evaluated: 2025-10-18. Review status: criteria provided, single submitter. Criteria: Invitae Variant Classification Sherloc (09022015). Collection method: clinical testing. Allele origin: germline.
Comment: This sequence change replaces arginine, which is basic and polar, with tryptophan, which is neutral and slightly polar, at codon 187 of the MYLK protein (p.Arg187Trp). The frequency data for this variant in the population databases is considered unreliable, as metrics indicate poor data quality at this position in the gnomAD database. This variant has not been reported in the literature in individuals affected with MYLK-related conditions. ClinVar contains an entry for this variant (Variation ID: 342904). Invitae Evidence Modeling of protein sequence and biophysical properties (such as structural, functional, and spatial information, amino acid conservation, physicochemical variation, residue mobility, and thermodynamic stability) indicates that this missense variant is not expected to disrupt MYLK protein function with a negative predictive value of 95%. In summary, the available evidence is currently insufficient to determine the role of this variant in disease. Therefore, it has been classified as a Variant of Uncertain Significance.

GeneDx
Classification: Uncertain significance. Last evaluated: 2025-06-27. Review status: criteria provided, single submitter. Criteria: GeneDx Variant Classification Process June 2021. Collection method: clinical testing. Allele origin: germline.
Comment: Not observed at significant frequency in large population cohorts (gnomAD); In silico analysis supports that this missense variant has a deleterious effect on protein structure/function; Has not been previously published as pathogenic or benign to our knowledge

Women's Health and Genetics/Laboratory Corporation of America, LabCorp
Classification: Uncertain significance. Last evaluated: 2023-12-17. Review status: criteria provided, single submitter. Criteria: LabCorp Variant Classification Summary - May 2015. Collection method: clinical testing. Allele origin: germline.

Revvity Omics, Revvity
Classification: Uncertain significance. Last evaluated: 2023-01-25. Review status: criteria provided, single submitter. Criteria: ACMG Guidelines, 2015. Collection method: clinical testing. Allele origin: germline.

Ambry Genetics
Classification: Uncertain significance for Familial thoracic aortic aneurysm and aortic dissection. Last evaluated: 2022-11-17. Review status: criteria provided, single submitter. Criteria: Ambry Variant Classification Scheme 2023. Collection method: clinical testing. Allele origin: germline.

Illumina Laboratory Services, Illumina
Classification: Uncertain significance for Aortic aneurysm, familial thoracic 7. Last evaluated: 2018-01-13. Review status: criteria provided, single submitter. Criteria: ICSL Variant Classification Criteria 13 December 2019. Collection method: clinical testing. Allele origin: germline.

NM_053025.4(MYLK):c.559C>T (p.Arg187Trp)

Gene: MYLK (myosin light chain kinase; minus strand). Cytogenetic location: 3q21.1.
Variant type: single nucleotide variant.
Coding change: c.559C>T on transcript NM_053025.4 (MANE Select); coding-DNA position 559, C replaced by T.
Protein change: p.Arg187Trp; replaces arginine 187 with tryptophan.
Molecular consequence: missense variant.
Genome position (GRCh38, 1-based): chr3:123,738,926, G>A on the plus strand (C>T on the coding strand, the complement: MYLK is on the minus strand). VCF-style: chr3-123738926-G-A. GRCh37 (hg19) VCF-style: chr3-123457773-G-A.
Other names: c.31C>T, p.Arg11Trp (NM_001321309.2); c.559C>T, p.Arg187Trp (NM_053026.4, NM_053027.4, NM_053028.4); short protein forms R187W, R11W.
Identifiers: ClinVar variation 342904 (VCV000342904.17), dbSNP rs372482276, ClinGen allele CA10617090.
Genomic context (GRCh38, chr3:123,738,926, plus strand): 5'-GGATCAGGGTCAGGGCAGACAGAAACCTCACCTTGAGCCAGGTGACCTGCGGTTGGGGCC[G>A]GCCAGTGATCTTGCAGGAGAATCGTCCCATCTGTCCTTCTTTGACCACAACTCGGCCCAG-3'
Protein context (NP_444253.3, residues 177-197): MGRFSCKITG[Arg187Trp]PQPQVTWLKG